The following is an entry in ClinVar:

NM_002633.3(PGM1):c.1186C>G (p.Leu396Val)

Gene: PGM1 (phosphoglucomutase 1; plus strand). Cytogenetic location: 1p31.3.
Variant type: single nucleotide variant.
Coding change: c.1186C>G on transcript NM_002633.3 (MANE Select); coding-DNA position 1186, C replaced by G.
Protein change: p.Leu396Val; replaces leucine 396 with valine.
Molecular consequence: missense variant.
Genome position (GRCh38, 1-based): chr1:63,648,558, C>G. VCF-style: chr1-63648558-C-G. GRCh37 (hg19) VCF-style: chr1-64114229-C-G.
Other names: c.1240C>G, p.Leu414Val (NM_001172818.1); c.595C>G, p.Leu199Val (NM_001172819.2); short protein forms L199V, L396V, L414V.
Identifiers: ClinVar variation 2570728 (VCV002570728.27), dbSNP rs1649716470, ClinGen allele CA340638278.

ClinVar aggregate classification (germline): Uncertain significance (1 of 4 stars; one submission).

Allele frequency attached by ClinVar (database versions not stated): gnomAD exomes below 0.00001.

Submission:

CeGaT Center for Human Genetics Tuebingen
Classification: Uncertain significance. Last evaluated: 2023-06-01. Review status: criteria provided, single submitter. Criteria: CeGaT Center For Human Genetics Tuebingen Variant Classification Criteria Version 2. Collection method: clinical testing. Allele origin: germline. Affected: yes. Observed: 1 variant allele.
Comment: PGM1: PM2